The following is an entry in ClinVar:

NM_014915.3(ANKRD26):c.94G>A (p.Glu32Lys)

Genes: ANKRD26 (ankyrin repeat domain 26; minus strand), LOC130003554 (ATAC-STARR-seq lymphoblastoid silent region 2243; plus strand). Cytogenetic location: 10p12.1.
Variant type: single nucleotide variant.
Coding change: c.94G>A on transcript NM_014915.3 (MANE Select); coding-DNA position 94, G replaced by A.
Protein change: p.Glu32Lys; replaces glutamic acid 32 with lysine.
Molecular consequence: missense variant.
Genome position (GRCh38, 1-based): chr10:27,100,233, C>T on the plus strand (G>A on the coding strand, the complement: ANKRD26 is on the minus strand). VCF-style: chr10-27100233-C-T. GRCh37 (hg19) VCF-style: chr10-27389162-C-T.
Other names: c.94G>A, p.Glu32Lys (NM_001256053.2); short protein forms E32K.
Identifiers: ClinVar variation 4104053 (VCV004104053.2).

ClinVar aggregate classification (germline): Uncertain significance. Review status: criteria provided, multiple submitters, no conflicts (2 of 4 stars). 2 submissions from 2 submitters: Uncertain significance (2). Last evaluated 2025-09-17.

Conditions:
Inborn genetic diseases. Identifiers: MedGen C0950123, MeSH D030342.

Submissions (2):

Labcorp Genetics (formerly Invitae), Labcorp
Classification: Uncertain significance. Last evaluated: 2025-09-17. Review status: criteria provided, single submitter. Criteria: Invitae Variant Classification Sherloc (09022015). Collection method: clinical testing. Allele origin: germline.
Comment: This sequence change replaces glutamic acid, which is acidic and polar, with lysine, which is basic and polar, at codon 32 of the ANKRD26 protein (p.Glu32Lys). This variant is present in population databases (no rsID available, gnomAD 0.006%). This variant has not been reported in the literature in individuals affected with ANKRD26-related conditions. An algorithm developed to predict the effect of missense changes on protein structure and function outputs the following: PolyPhen-2: "Benign". The lysine amino acid residue is found in multiple mammalian species, which suggests that this missense change does not adversely affect protein function. In summary, the available evidence is currently insufficient to determine the role of this variant in disease. Therefore, it has been classified as a Variant of Uncertain Significance.

Ambry Genetics
Classification: Uncertain significance for Inborn genetic diseases. Last evaluated: 2025-08-08. Review status: criteria provided, single submitter. Criteria: Ambry Variant Classification Scheme 2023. Collection method: clinical testing. Allele origin: germline.
Comment: The p.E32K variant (also known as c.94G>A), located in coding exon 1 of the ANKRD26 gene, results from a G to A substitution at nucleotide position 94. The glutamic acid at codon 32 is replaced by lysine, an amino acid with similar properties. This amino acid position is conserved. In addition, this alteration is predicted to be tolerated by in silico analysis. Based on the available evidence, the clinical significance of this variant remains unclear.